The following is an entry in ClinVar:

ClinVar aggregate classification (germline): Pathogenic. Review status: criteria provided, multiple submitters, no conflicts (2 of 4 stars). 2 submissions from 2 submitters: Pathogenic (2). Last evaluated 2023-12-07.

Conditions:
PTCH1-related disorder. Also called: PTCH1-related disorders; PTCH1-related condition.
Gorlin syndrome. Also called: Basal cell nevus syndrome; Nevoid Basal Cell Carcinoma Syndrome. Identifiers: Orphanet 377, MedGen C0004779, MONDO:0007187.

Submissions (2):

Blueprint Genetics
Classification: Pathogenic for PTCH1-related disorders. Last evaluated: 2023-12-07. Review status: criteria provided, single submitter. Criteria: ACMG Guidelines, 2015. Collection method: clinical testing. Allele origin: germline. Affected: yes. Observed: 2 variant alleles.

Labcorp Genetics (formerly Invitae), Labcorp
Classification: Pathogenic for Gorlin syndrome. Last evaluated: 2021-01-28. Review status: criteria provided, single submitter. Criteria: Invitae Variant Classification Sherloc (09022015). Collection method: clinical testing. Allele origin: germline.
Comment: This variant is not present in population databases (ExAC no frequency). This sequence change creates a premature translational stop signal (p.Gln242Valfs*9) in the PTCH1 gene. It is expected to result in an absent or disrupted protein product. Loss-of-function variants in PTCH1 are known to be pathogenic (PMID: 16301862, 16419085). For these reasons, this variant has been classified as Pathogenic. This variant has been observed in individual(s) with clinical features of basal cell nevus syndrome (PMID: 28733979).

Literature cited by the submitters: PubMed 16301862 (cited by Labcorp Genetics (formerly Invitae), Labcorp); PubMed 16419085 (cited by Labcorp Genetics (formerly Invitae), Labcorp); PubMed 28733979 (cited by Labcorp Genetics (formerly Invitae), Labcorp).

NM_000264.5(PTCH1):c.724_725del (p.Gln242fs)

Gene: PTCH1 (patched 1; minus strand). Cytogenetic location: 9q22.32.
Variant type: Deletion.
Coding change: c.724_725del on transcript NM_000264.5 (MANE Select); coding-DNA positions 724 to 725, 2 bases deleted (CA; older notation c.724_725delCA).
Protein change: p.Gln242fs; shifts the reading frame from glutamine 242.
Molecular consequence: frameshift variant. On other transcripts: non-coding transcript variant (1).
Genome position (GRCh38, 1-based): chr9:95,481,970-95,481,971, TG deleted on the plus strand (CA on the coding strand, the reverse complement: PTCH1 is on the minus strand); deleting any 2 consecutive bases within chr9:95,481,970-95,481,972 gives the same sequence; the c. name uses the placement nearest the transcript's 3' end. VCF-style (leftmost placement, unchanged base first): chr9-95481969-CTG-C. GRCh37 (hg19) VCF-style: chr9-98244251-CTG-C.
Other names: c.526_527del, p.Gln176fs (NM_001083602.3, NM_001354919.2); c.721_722del, p.Gln241fs (NM_001083603.3); c.271_272del, p.Gln91fs (NM_001083604.3, NM_001083605.3, NM_001083606.3 and 1 more transcripts); c.724_725del, p.Gln242fs (NM_001354918.2); short protein forms Q176fs, Q91fs, Q242fs, Q241fs.
Identifiers: ClinVar variation 1455171 (VCV001455171.9), dbSNP rs2118460945, ClinGen allele CA645567529.